The following is an entry in ClinVar:

NM_001199753.2(CPT1C):c.539A>G (p.Gln180Arg)

Gene: CPT1C (carnitine palmitoyltransferase 1C; plus strand). Cytogenetic location: 19q13.33.
Variant type: single nucleotide variant.
Coding change: c.539A>G on transcript NM_001199753.2 (MANE Select); coding-DNA position 539, A replaced by G.
Protein change: p.Gln180Arg; replaces glutamine 180 with arginine.
Molecular consequence: missense variant. On other transcripts: non-coding transcript variant (1).
Genome position (GRCh38, 1-based): chr19:49,701,402, A>G. VCF-style: chr19-49701402-A-G. GRCh37 (hg19) VCF-style: chr19-50204659-A-G.
Other names: c.539A>G (NM_001199752.1); c.539A>G, p.Gln180Arg (NM_001136052.3, NM_001199752.3, NM_001378482.1 and 7 more transcripts); short protein forms Q180R.
Identifiers: ClinVar variation 2841284 (VCV002841284.4), dbSNP rs772453032, ClinGen allele CA9581826.
Genomic context (GRCh38, chr19:49,701,402, plus strand): 5'-GCCACCCGATGCTGTTCAGTTACCAGCGCTCCCTGCCACGCCAGCCCGTGCCCTCTGTGC[A>G]GGACACCGTGCGCAAGGTGGGCCTGGGAGCGCGCAGACGGGCTGGGGCGGCCGGGGCGGG-3'
Protein context (NP_001186682.1, residues 170-190): SLPRQPVPSV[Gln180Arg]DTVRKYLESV

ClinVar aggregate classification (germline): Uncertain significance. Review status: criteria provided, multiple submitters, no conflicts (2 of 4 stars). 2 submissions from 2 submitters: Uncertain significance (2). Last evaluated 2024-10-30.

Conditions:
Hereditary spastic paraplegia 73. Also called: Spastic paraplegia 73, autosomal dominant. Identifiers: Orphanet 444099, MedGen C5568981, MONDO:0014568, OMIM 616282.

Allele frequency attached by ClinVar (database versions not stated): gnomAD exomes 0.00001; ExAC 0.00002; gnomAD 0.00009; TOPMed 0.00015.
gnomAD v4.1: 25 of 1,612,404 alleles (0.0016%); highest among the groups gnomAD compares: Admixed American, 0.033%; no homozygotes.

Submissions (2):

Labcorp Genetics (formerly Invitae), Labcorp
Classification: Uncertain significance for Hereditary spastic paraplegia 73. Last evaluated: 2024-10-30. Review status: criteria provided, single submitter. Criteria: Invitae Variant Classification Sherloc (09022015). Collection method: clinical testing. Allele origin: germline.
Comment: This sequence change replaces glutamine, which is neutral and polar, with arginine, which is basic and polar, at codon 180 of the CPT1C protein (p.Gln180Arg). The frequency data for this variant in the population databases is considered unreliable, as metrics indicate poor data quality at this position in the gnomAD database. This variant has not been reported in the literature in individuals affected with CPT1C-related conditions. ClinVar contains an entry for this variant (Variation ID: 2841284). Invitae Evidence Modeling of protein sequence and biophysical properties (such as structural, functional, and spatial information, amino acid conservation, physicochemical variation, residue mobility, and thermodynamic stability) indicates that this missense variant is not expected to disrupt CPT1C protein function with a negative predictive value of 80%. In summary, the available evidence is currently insufficient to determine the role of this variant in disease. Therefore, it has been classified as a Variant of Uncertain Significance.

Ambry Genetics
Classification: Uncertain significance. Last evaluated: 2024-09-04. Review status: criteria provided, single submitter. Criteria: Ambry Variant Classification Scheme 2023. Collection method: clinical testing. Allele origin: germline.